The following is an entry in ClinVar:

NM_004588.5(SCN2B):c.237+138T>C

Gene: SCN2B (sodium voltage-gated channel beta subunit 2; minus strand). Cytogenetic location: 11q23.3.
Variant type: single nucleotide variant.
Coding change: c.237+138T>C on transcript NM_004588.5 (MANE Select); 138 bases into the intron after coding-DNA position 237, T replaced by C.
Molecular consequence: intron variant.
Genome position (GRCh38, 1-based): chr11:118,168,447, A>G on the plus strand (T>C on the coding strand, the complement: SCN2B is on the minus strand). VCF-style: chr11-118168447-A-G. GRCh37 (hg19) VCF-style: chr11-118039162-A-G.
Identifiers: ClinVar variation 679806 (VCV000679806.1), dbSNP rs143327386, ClinGen allele CA229466560.
Genomic context (GRCh38, chr11:118,168,447, plus strand): 5'-CCTGGGGAAGAGAGGCAGTTACCTCTGTGAGGCACCTGGATGCGCAGCACACCTTGTTTC[A>G]AGAGCCTCCAGAGCACGCAGCCCACCCAGGGTCCTCTGGGGCCCTAGCGCAGTGCCGGGG-3'

ClinVar aggregate classification (germline): Likely benign (1 of 4 stars; one submission).

Allele frequency attached by ClinVar (database versions not stated): gnomAD exomes 0.00084; gnomAD 0.00833 and 0.00889; TOPMed 0.00952; 1000 Genomes Project 30x 0.01031; 1000 Genomes Project 0.01058.

Submission:

GeneDx
Classification: Likely benign. Last evaluated: 2018-06-16. Review status: criteria provided, single submitter. Criteria: GeneDx Variant Classification (06012015). Collection method: clinical testing. Allele origin: germline. Affected: yes.
Comment: This variant is considered likely benign or benign based on one or more of the following criteria: it is a conservative change, it occurs at a poorly conserved position in the protein, it is predicted to be benign by multiple in silico algorithms, and/or has population frequency not consistent with disease.